The following is an entry in ClinVar:

NM_001039141.3(TRIOBP):c.1690A>G (p.Thr564Ala)

Gene: TRIOBP (TRIO and F-actin binding protein; plus strand). Cytogenetic location: 22q13.1.
Variant type: single nucleotide variant.
Coding change: c.1690A>G on transcript NM_001039141.3 (MANE Select); coding-DNA position 1690, A replaced by G.
Protein change: p.Thr564Ala; replaces threonine 564 with alanine.
Molecular consequence: missense variant.
Genome position (GRCh38, 1-based): chr22:37,724,246, A>G. VCF-style: chr22-37724246-A-G. GRCh37 (hg19) VCF-style: chr22-38120253-A-G.
Other names: short protein forms T564A.
Identifiers: ClinVar variation 1422190 (VCV001422190.22), dbSNP rs777175618, ClinGen allele CA10223647.
Genomic context (GRCh38, chr22:37,724,246, plus strand): 5'-GCTGCACGAGACAACCCCACAACATCCTGTGCCCAGCGGGACAATCCCAGAGCCTCCAGA[A>G]CCTCCTCTCCCAATAGAGCCACACGAGACAACCCCAGAACATCCTGTGCCCAGCGGGACA-3'
Protein context (NP_001034230.1, residues 554-574): AQRDNPRASR[Thr564Ala]SSPNRATRDN

ClinVar aggregate classification (germline): Conflicting classifications of pathogenicity. Review status: criteria provided, conflicting classifications (1 of 4 stars). 5 submissions from 5 submitters: Uncertain significance (2); Likely benign (2). 1 of the submissions does not count toward it. Last evaluated 2026-01-08.

Conditions:
TRIOBP-related disorder. Also called: TRIOBP-related condition.

Allele frequency attached by ClinVar (database versions not stated): gnomAD 0.00017; gnomAD exomes 0.00097; 1000 Genomes Project 30x 0.00187; ExAC 0.00208.

Submissions (5):

Labcorp Genetics (formerly Invitae), Labcorp
Classification: Uncertain significance. Last evaluated: 2026-01-08. Review status: criteria provided, single submitter. Criteria: Invitae Variant Classification Sherloc (09022015). Collection method: clinical testing. Allele origin: germline.
Comment: This sequence change replaces threonine, which is neutral and polar, with alanine, which is neutral and non-polar, at codon 564 of the TRIOBP protein (p.Thr564Ala). The frequency data for this variant in the population databases is considered unreliable, as metrics indicate poor data quality at this position in the gnomAD database. This variant has not been reported in the literature in individuals affected with TRIOBP-related conditions. ClinVar contains an entry for this variant (Variation ID: 1422190). An algorithm developed to predict the effect of missense changes on protein structure and function outputs the following: PolyPhen-2: "Not Available". The alanine amino acid residue is found in multiple mammalian species, which suggests that this missense change does not adversely affect protein function. In summary, the available evidence is currently insufficient to determine the role of this variant in disease. Therefore, it has been classified as a Variant of Uncertain Significance.

CeGaT Center for Human Genetics Tuebingen
Classification: Uncertain significance. Last evaluated: 2026-01-01. Review status: criteria provided, single submitter. Criteria: CeGaT Center For Human Genetics Tuebingen Variant Classification Criteria Version 2. Collection method: clinical testing. Allele origin: germline. Affected: yes. Observed: 3 variant alleles.
Comment: TRIOBP: PP2, BP4

Blueprint Genetics
Classification: Likely benign. Last evaluated: 2024-11-06. Review status: criteria provided, single submitter. Criteria: ACMG Guidelines, 2015. Collection method: clinical testing. Allele origin: germline.

GeneDx
Classification: Likely benign. Last evaluated: 2021-12-14. Review status: criteria provided, single submitter. Criteria: GeneDx Variant Classification Process June 2021. Collection method: clinical testing. Allele origin: germline. Affected: yes.
Comment: See Variant Classification Assertion Criteria.

PreventionGenetics, part of Exact Sciences
Classification: Benign for TRIOBP-related condition. Last evaluated: 2020-02-17. Review status: no assertion criteria provided. Collection method: clinical testing. Allele origin: germline. Not counted in ClinVar's aggregate classification.
Comment: This variant is classified as benign based on ACMG/AMP sequence variant interpretation guidelines (Richards et al. 2015 PMID: 25741868, with internal and published modifications).